The following is an entry in ClinVar:

ClinVar aggregate classification (germline): Conflicting classifications of pathogenicity. Review status: criteria provided, conflicting classifications (1 of 4 stars). 4 submissions from 4 submitters: Uncertain significance (3); Likely benign (1). Last evaluated 2024-03-06.

Conditions:
Hereditary cancer-predisposing syndrome. Also called: Neoplastic Syndromes, Hereditary; Tumor predisposition; Hereditary Cancer Syndrome; Hereditary neoplastic syndrome. Identifiers: Orphanet 140162, MedGen C0027672, MeSH D009386, MONDO:0015356.
Hereditary breast ovarian cancer syndrome. Also called: BRCA1- and BRCA2-Associated Hereditary Breast and Ovarian Cancer; Hereditary breast and ovarian cancer syndrome; Hereditary breast and ovarian cancer; Hereditary breast and ovarian cancer syndrome (HBOC); Breast and ovarian cancer; Hereditary breast and/or ovarian cancer syndrome. Identifiers: Orphanet 145, MedGen C0677776, MeSH D061325, MONDO:0003582. Disease mechanism: loss of function.

Submissions (4):

Color Diagnostics, LLC DBA Color Health
Classification: Uncertain significance for Hereditary cancer-predisposing syndrome. Last evaluated: 2024-03-06. Review status: criteria provided, single submitter. Criteria: ACMG Guidelines, 2015. Collection method: clinical testing. Allele origin: germline.
Comment: This missense variant replaces histidine with asparagine at codon 1003 of the BRCA2 protein. Computational prediction suggests that this variant may not impact protein structure and function (internally defined REVEL score threshold <= 0.5, PMID: 27666373). To our knowledge, functional studies have not been reported for this variant. This variant has not been reported in individuals affected with BRCA2-related disorders in the literature. This variant has not been identified in the general population by the Genome Aggregation Database (gnomAD). The available evidence is insufficient to determine the role of this variant in disease conclusively. Therefore, this variant is classified as a Variant of Uncertain Significance.

University of Washington Department of Laboratory Medicine, University of Washington
Classification: Likely benign for Hereditary cancer-predisposing syndrome. Last evaluated: 2023-03-23. Review status: criteria provided, single submitter. Criteria: Dines et al. (Genet Med. 2020). Collection method: curation. Allele origin: germline.
Comment: Missense variant in a coldspot region where missense variants are very unlikely to be pathogenic (PMID:31911673).

BRCA2 exon 11 coldspot. Reclassification based on statistical prior probability.

Ambry Genetics
Classification: Uncertain significance for Hereditary cancer-predisposing syndrome. Last evaluated: 2021-09-13. Review status: criteria provided, single submitter. Criteria: Ambry Variant Classification Scheme 2023. Collection method: clinical testing. Allele origin: germline.
Comment: The p.H1003N variant (also known as c.3007C>A), located in coding exon 10 of the BRCA2 gene, results from a C to A substitution at nucleotide position 3007. The histidine at codon 1003 is replaced by asparagine, an amino acid with similar properties. This amino acid position is not well conserved in available vertebrate species. In addition, this alteration is predicted to be tolerated by in silico analysis. Since supporting evidence is limited at this time, the clinical significance of this alteration remains unclear.

Labcorp Genetics (formerly Invitae), Labcorp
Classification: Uncertain significance for Hereditary breast ovarian cancer syndrome. Last evaluated: 2020-02-11. Review status: criteria provided, single submitter. Criteria: Invitae Variant Classification Sherloc (09022015). Collection method: clinical testing. Allele origin: germline.
Comment: Algorithms developed to predict the effect of missense changes on protein structure and function are either unavailable or do not agree on the potential impact of this missense change (SIFT: "Tolerated"; PolyPhen-2: "Possibly Damaging"; Align-GVGD: "Class C0"). In summary, the available evidence is currently insufficient to determine the role of this variant in disease. Therefore, it has been classified as a Variant of Uncertain Significance. This variant has not been reported in the literature in individuals with BRCA2-related conditions. This variant is not present in population databases (ExAC no frequency). This sequence change replaces histidine with asparagine at codon 1003 of the BRCA2 protein (p.His1003Asn). The histidine residue is weakly conserved and there is a small physicochemical difference between histidine and asparagine.

NM_000059.4(BRCA2):c.3007C>A (p.His1003Asn)

Gene: BRCA2 (BRCA2 DNA repair associated; plus strand). Cytogenetic location: 13q13.1.
Variant type: single nucleotide variant.
Coding change: c.3007C>A on transcript NM_000059.4 (MANE Select); coding-DNA position 3007, C replaced by A.
Protein change: p.His1003Asn; replaces histidine 1003 with asparagine.
Molecular consequence: missense variant.
Genome position (GRCh38, 1-based): chr13:32,337,362, C>A. VCF-style: chr13-32337362-C-A. GRCh37 (hg19) VCF-style: chr13-32911499-C-A.
Other names: short protein forms H1003N.
Identifiers: ClinVar variation 918596 (VCV000918596.20), dbSNP rs878853565, ClinGen allele CA387774711.
Genomic context (GRCh38, chr13:32,337,362, plus strand): 5'-CCAGAAAAAAATAATGATTACATGAACAAATGGGCAGGACTCTTAGGTCCAATTTCAAAT[C>A]ACAGTTTTGGAGGTAGCTTCAGAACAGCTTCAAATAAGGAAATCAAGCTCTCTGAACATA-3'
Protein context (NP_000050.3, residues 993-1013): WAGLLGPISN[His1003Asn]SFGGSFRTAS